The following is an entry in ClinVar:

ClinVar aggregate classification (germline): Likely pathogenic (1 of 4 stars; one submission).

Conditions:
CD36-related disorder. Also called: CD36-related condition; CD36-related disorders.

Submission:

PreventionGenetics, part of Exact Sciences
Classification: Likely pathogenic for CD36-related condition. Last evaluated: 2025-11-04. Review status: criteria provided, single submitter. Criteria: ACMG Guidelines, 2015. Collection method: clinical testing. Allele origin: germline.
Comment: The CD36 c.1150_1152delinsCC variant is predicted to result in a frameshift and premature protein termination (p.Ala384Profs*19). This variant has been reported in heterozygous state in individuals with malaria (described as G1439C+1444delA, Aitman et al. 2000. PubMed ID: 10890433). This variant has not been reported in a large population database (gnomAD), indicating this variant is rare. Other loss of function variants have been reported up and downstream to be causative for CD36 deficiency (Kashiwagi et al. 2001. PubMed ID: 11499670; Li et al. 2015. PubMed ID: 25330908). Frameshift variants in CD36 are expected to be pathogenic. This variant is interpreted as likely pathogenic.

NM_001001548.3(CD36):c.1150_1152delinsCC (p.Ala384fs)

Gene: CD36 (CD36 molecule (CD36 blood group); plus strand). Cytogenetic location: 7q21.11.
Variant type: Indel.
Coding change: c.1150_1152delinsCC on transcript NM_001001548.3 (MANE Select); coding-DNA positions 1150 to 1152, GCA replaced by CC.
Protein change: p.Ala384fs; shifts the reading frame from alanine 384.
Molecular consequence: frameshift variant. On other transcripts: non-coding transcript variant (1).
Genome position (GRCh38, 1-based): chr7:80,672,794-80,672,796, GCA replaced by CC. VCF-style: chr7-80672794-GCA-CC. GRCh37 (hg19) VCF-style: chr7-80302110-GCA-CC.
Other names: c.1150_1152delinsCC (NM_001001547.2); c.1150_1152delinsCC, p.Ala384fs (NM_000072.3, NM_001001547.3, NM_001127443.2 and 5 more transcripts); c.1033_1035delinsCC, p.Ala345fs (NM_001289908.1); c.970_972delinsCC, p.Ala324fs (NM_001289909.1); c.922_924delinsCC, p.Ala308fs (NM_001289911.2); c.1048_1050delinsCC, p.Ala350fs (NM_001371079.1); c.685_687delinsCC, p.Ala229fs (NM_001371080.1, NM_001371081.1); short protein forms A229fs, A308fs, A324fs, A345fs, A350fs, A384fs.
Identifiers: ClinVar variation 2631819 (VCV002631819.2), dbSNP rs2535905306, ClinGen allele CA2695198500.